The following is an entry in ClinVar:

NM_016169.4(SUFU):c.70C>G (p.Pro24Ala)

Genes: SUFU (SUFU negative regulator of hedgehog signaling; plus strand), LOC130004614 (ATAC-STARR-seq lymphoblastoid silent region 2764; plus strand). Cytogenetic location: 10q24.32.
Variant type: single nucleotide variant.
Coding change: c.70C>G on transcript NM_016169.4 (MANE Select); coding-DNA position 70, C replaced by G.
Protein change: p.Pro24Ala; replaces proline 24 with alanine.
Molecular consequence: missense variant.
Genome position (GRCh38, 1-based): chr10:102,504,222, C>G. VCF-style: chr10-102504222-C-G. GRCh37 (hg19) VCF-style: chr10-104263979-C-G.
Other names: c.70C>G, p.Pro24Ala (NM_001178133.2); short protein forms P24A.
Identifiers: ClinVar variation 826834 (VCV000826834.18), dbSNP rs1219870817, ClinGen allele CA377886343.

ClinVar aggregate classification (germline): Uncertain significance. Review status: criteria provided, multiple submitters, no conflicts (2 of 4 stars). 3 submissions from 3 submitters: Uncertain significance (3). Last evaluated 2025-08-25.

Conditions:
Hereditary cancer-predisposing syndrome. Also called: Neoplastic Syndromes, Hereditary; Hereditary Cancer Syndrome; Hereditary neoplastic syndrome; Tumor predisposition. Identifiers: Orphanet 140162, MedGen C0027672, MeSH D009386, MONDO:0015356.
Familial meningioma. Also called: Meningioma, familial, susceptibility to. Identifiers: Orphanet 263662, MedGen C3551915, MONDO:0011789, OMIM 607174.
Gorlin syndrome. Also called: Nevoid Basal Cell Carcinoma Syndrome; Basal cell nevus syndrome. Identifiers: Orphanet 377, MedGen C0004779, MONDO:0007187.
Medulloblastoma (MDB). Also called: MEDULLOBLASTOMA PREDISPOSITION SYNDROME; Medulloblastoma, somatic. Identifiers: Orphanet 616, MedGen C0025149, MeSH D008527, MONDO:0007959, OMIM 155255, HP:0002885.

Submissions (3):

Ambry Genetics
Classification: Uncertain significance for Hereditary cancer-predisposing syndrome. Last evaluated: 2025-08-25. Review status: criteria provided, single submitter. Criteria: Ambry Variant Classification Scheme 2023. Collection method: clinical testing. Allele origin: germline.
Comment: The p.P24A variant (also known as c.70C>G), located in coding exon 1 of the SUFU gene, results from a C to G substitution at nucleotide position 70. The proline at codon 24 is replaced by alanine, an amino acid with highly similar properties. This amino acid position is not well conserved in available vertebrate species. In addition, this alteration is predicted to be tolerated by in silico analysis. Based on the available evidence, the clinical significance of this variant remains unclear.

Labcorp Genetics (formerly Invitae), Labcorp
Classification: Uncertain significance for Gorlin syndrome; Medulloblastoma. Last evaluated: 2024-07-30. Review status: criteria provided, single submitter. Criteria: Invitae Variant Classification Sherloc (09022015). Collection method: clinical testing. Allele origin: germline.
Comment: This sequence change replaces proline, which is neutral and non-polar, with alanine, which is neutral and non-polar, at codon 24 of the SUFU protein (p.Pro24Ala). This variant is not present in population databases (gnomAD no frequency). This variant has not been reported in the literature in individuals affected with SUFU-related conditions. ClinVar contains an entry for this variant (Variation ID: 826834). Advanced modeling of protein sequence and biophysical properties (such as structural, functional, and spatial information, amino acid conservation, physicochemical variation, residue mobility, and thermodynamic stability) performed at Invitae indicates that this missense variant is not expected to disrupt SUFU protein function with a negative predictive value of 80%. In summary, the available evidence is currently insufficient to determine the role of this variant in disease. Therefore, it has been classified as a Variant of Uncertain Significance.

Baylor Genetics
Classification: Uncertain significance for Familial meningioma. Last evaluated: 2023-06-15. Review status: criteria provided, single submitter. Criteria: ACMG Guidelines, 2015. Collection method: clinical testing. Allele origin: unknown.